The following is an entry in ClinVar:

NM_004281.4(BAG3):c.77G>A (p.Trp26Ter)

Gene: BAG3 (BAG cochaperone 3; plus strand). Cytogenetic location: 10q26.11.
Variant type: single nucleotide variant.
Coding change: c.77G>A on transcript NM_004281.4 (MANE Select); coding-DNA position 77, G replaced by A.
Protein change: p.Trp26Ter; replaces tryptophan 26 with a stop codon.
Molecular consequence: nonsense.
Genome position (GRCh38, 1-based): chr10:119,651,752, G>A. VCF-style: chr10-119651752-G-A. GRCh37 (hg19) VCF-style: chr10-121411264-G-A.
Other names: short protein forms W26*.
Identifiers: ClinVar variation 505229 (VCV000505229.18), dbSNP rs1554875409, ClinGen allele CA378294121.

ClinVar aggregate classification (germline): Pathogenic/Likely pathogenic. Review status: criteria provided, multiple submitters, no conflicts (2 of 4 stars). 7 submissions from 7 submitters: Pathogenic (3); Likely pathogenic (4). Last evaluated 2026-01-17.

Conditions:
Primary dilated cardiomyopathy (DCM). Also called: Dilated Cardiomyopathy. Identifiers: Orphanet 217604, MedGen C0007193, MeSH D002311, MONDO:0005021, HP:0001644. Inheritance: Various modes of inheritance.
Myofibrillar myopathy 6. Identifiers: Orphanet 199340, MedGen C2751831, MONDO:0013061, OMIM 612954.
Dilated cardiomyopathy 1HH (CMD1HH). Identifiers: Orphanet 154, MedGen C3151293, MONDO:0013479, OMIM 613881.
Cardiovascular phenotype. Identifiers: MedGen CN230736.

Submissions (7):

GeneDx
Classification: Pathogenic. Last evaluated: 2026-01-17. Review status: criteria provided, single submitter. Criteria: GeneDx Variant Classification Process June 2021. Collection method: clinical testing. Allele origin: germline. Affected: yes.
Comment: Identified in patients with DCM or left ventricular noncompaction and several affected family members in the published literature, as well as in patients with DCM and their relatives referred for genetic testing at GeneDx (PMID: 28436997, 39691879, 37652022); Nonsense variant predicted to result in protein truncation or nonsense mediated decay in a gene for which loss of function is a known mechanism of disease; Not observed at significant frequency in large population cohorts (gnomAD); This variant is associated with the following publications: (PMID: 28436997, 39691879, 37652022)

Variantyx, Inc.
Classification: Pathogenic for Dilated cardiomyopathy 1HH. Last evaluated: 2025-10-22. Review status: criteria provided, single submitter. Criteria: Variantyx Assertion Criteria 2022. Collection method: clinical testing. Allele origin: germline. Inheritance: Autosomal dominant inheritance.
Comment: This is a nonsense variant in the BAG3 gene (OMIM: 603883). Pathogenic variants in this gene have been associated with autosomal dominant dilated cardiomyopathy 1HH. This variant introduces a premature termination codon in exon 1 out of 4 and is expected to result in loss of function, which is a known disease mechanism for BAG3 in this disorder (PMID: 21353195, 25008357, 28436997) (PVS1). It has been reported in at least two affected individuals (PMID: 37652022, 28436997) (PS4), while it is absent from control populations (PM2). Based on the current evidence, this variant is classified as pathogenic for autosomal dominant dilated cardiomyopathy 1HH.

Labcorp Genetics (formerly Invitae), Labcorp
Classification: Pathogenic for Dilated cardiomyopathy 1HH; Myofibrillar myopathy 6. Last evaluated: 2025-02-12. Review status: criteria provided, single submitter. Criteria: Invitae Variant Classification Sherloc (09022015). Collection method: clinical testing. Allele origin: germline.
Comment: This sequence change creates a premature translational stop signal (p.Trp26*) in the BAG3 gene. It is expected to result in an absent or disrupted protein product. Loss-of-function variants in BAG3 are known to be pathogenic (PMID: 21353195, 25008357). This variant is not present in population databases (gnomAD no frequency). This premature translational stop signal has been observed in individual(s) with dilated cardiomyopathy (PMID: 28436997). ClinVar contains an entry for this variant (Variation ID: 505229). Algorithms developed to predict the effect of sequence changes on RNA splicing suggest that this variant may create or strengthen a splice site. For these reasons, this variant has been classified as Pathogenic.

Illumina Laboratory Services, Illumina
Classification: Likely pathogenic for Dilated cardiomyopathy 1HH. Last evaluated: 2023-09-07. Review status: criteria provided, single submitter. Criteria: ICSLVariantClassificationCriteria RUGD 01 April 2020. Collection method: clinical testing. Allele origin: unknown.
Comment: The BAG3 c.77G>A (p.Trp26Ter) nonsense variant is predicted to result in premature termination of the protein. Loss of normal protein function through either protein truncation or nonsense-mediated mRNA decay (NMD) is expected; however, this variant occurs within 100bp of the initiation codon, a region in which NMD is known to occur with reduced efficiency (PMID: 27618451; 33277042). This variant has been identified in an individual with dilated cardiomyopathy (PMID: 28436997). This variant is not observed in version 2.1.1 or version 3.1.2 of the Genome Aggregation Database. This variant has been classified as pathogenic or likely pathogenic by at least three submitters in ClinVar. Based on the available evidence, the c.77G>A (p.Trp26Ter) variant is classified as likely pathogenic for dilated cardiomyopathy.

Ambry Genetics
Classification: Likely pathogenic for Cardiovascular phenotype. Last evaluated: 2022-08-16. Review status: criteria provided, single submitter. Criteria: Ambry Variant Classification Scheme 2023. Collection method: clinical testing. Allele origin: germline.
Comment: The p.W26* variant (also known as c.77G>A), located in coding exon 1 of the BAG3 gene, results from a G to A substitution at nucleotide position 77. This changes the amino acid from a tryptophan to a stop codon within coding exon 1. The predicted stop codon occurs in the 5&rsquo; end of theBAG3 gene. Premature termination codons in the 5&rsquo; end of a gene have been reported to escape nonsense-mediated mRNAdecay and/or lead to re-initiation (Rivas et al. Science. 2015 May 8;348(6235):666-9; Lindeboom et al. Nat Genet. 2016 Oct;48(10):1112-8; Rhee et al. Sci Rep. 2017 May 10;7(1):1653). Direct evidence for this alteration is unavailable, however premature termination codons are typically deleterious in nature. This alteration has been reported in an individual with dilated cardiomyopathy (DCM) (Janin A et al. Clin Genet, 2017 Dec;92:616-623). This variant is considered to be rare based on population cohorts in the Genome Aggregation Database (gnomAD). Based on the majority of available evidence to date, this variant is likely to be pathogenic.

Fulgent Genetics
Classification: Likely pathogenic for Myofibrillar myopathy 6; Dilated cardiomyopathy 1HH. Last evaluated: 2021-07-29. Review status: criteria provided, single submitter. Criteria: ACMG Guidelines, 2015. Collection method: clinical testing. Allele origin: unknown.

Laboratory for Molecular Medicine, Mass General Brigham Personalized Medicine
Classification: Likely pathogenic for Primary dilated cardiomyopathy. Last evaluated: 2016-07-18. Review status: criteria provided, single submitter. Criteria: LMM Criteria. Collection method: clinical testing. Allele origin: germline. Observed: 2 variant alleles.
Comment: The p.Trp26X variant in BAG3 has not been previously reported in individuals wit h cardiomyopathy or in large population studies. This nonsense variant leads to a premature termination codon at position 26, which is predicted to lead to a tr uncated or absent protein. Loss-of-function variants in BAG3 are associated with DCM (Knezevic, 2015). In summary, although additional studies are required to f ully establish its clinical significance, the p.Trp26X variant is likely pathoge nic.

Literature cited by the submitters: PubMed 21353195 (cited by Variantyx, Inc. and Labcorp Genetics (formerly Invitae), Labcorp); PubMed 25008357 (cited by Variantyx, Inc. and Labcorp Genetics (formerly Invitae), Labcorp); PubMed 28436997 (cited by 3 submitters); PubMed 37652022 (cited by Variantyx, Inc.); PubMed 25925243 (cited by Laboratory for Molecular Medicine, Mass General Brigham Personalized Medicine).